The following is an entry in ClinVar:

ClinVar aggregate classification (germline): Uncertain significance (1 of 4 stars; one submission).

Conditions:
Hereditary cancer-predisposing syndrome. Also called: Hereditary Cancer Syndrome; Hereditary neoplastic syndrome; Neoplastic Syndromes, Hereditary; Tumor predisposition. Identifiers: Orphanet 140162, MedGen C0027672, MeSH D009386, MONDO:0015356.

Submission:

Ambry Genetics
Classification: Uncertain significance for Hereditary cancer-predisposing syndrome. Last evaluated: 2022-04-28. Review status: criteria provided, single submitter. Criteria: Ambry Variant Classification Scheme 2023. Collection method: clinical testing. Allele origin: germline.
Comment: The p.Q330P variant (also known as c.989A>C), located in coding exon 8 of the SUFU gene, results from an A to C substitution at nucleotide position 989. The glutamine at codon 330 is replaced by proline, an amino acid with similar properties. This amino acid position is conserved. In addition, the in silico prediction for this alteration is inconclusive. Since supporting evidence is limited at this time, the clinical significance of this alteration remains unclear.

NM_016169.4(SUFU):c.989A>C (p.Gln330Pro)

Gene: SUFU (SUFU negative regulator of hedgehog signaling; plus strand). Cytogenetic location: 10q24.32.
Variant type: single nucleotide variant.
Coding change: c.989A>C on transcript NM_016169.4 (MANE Select); coding-DNA position 989, A replaced by C.
Protein change: p.Gln330Pro; replaces glutamine 330 with proline.
Molecular consequence: missense variant.
Genome position (GRCh38, 1-based): chr10:102,599,511, A>C. VCF-style: chr10-102599511-A-C. GRCh37 (hg19) VCF-style: chr10-104359268-A-C.
Other names: c.989A>C, p.Gln330Pro (NM_001178133.2); short protein forms Q330P.
Identifiers: ClinVar variation 1768511 (VCV001768511.2), dbSNP rs1060501107, ClinGen allele CA377911152.